The following is an entry in ClinVar:

ClinVar aggregate classification (germline): Likely benign (0 of 4 stars; one submission).

Conditions:
CACNA1I-related disorder. Also called: CACNA1I-related condition.

Allele frequency attached by ClinVar (database versions not stated): ESP Exome Variant Server 0.00008; gnomAD 0.00014; TOPMed 0.00016; ExAC 0.00018; 1000 Genomes Project 0.00020; 1000 Genomes Project 30x 0.00031; gnomAD exomes 0.00032.
gnomAD v4.1: 484 of 1,613,524 alleles (0.03%); highest among the groups gnomAD compares: Non-Finnish European, 0.038%; 1 homozygote.

Submission:

PreventionGenetics, part of Exact Sciences
Classification: Likely benign for CACNA1I-related condition. Last evaluated: 2024-04-03. Review status: no assertion criteria provided. Collection method: clinical testing. Allele origin: germline.
Comment: This variant is classified as likely benign based on ACMG/AMP sequence variant interpretation guidelines (Richards et al. 2015 PMID: 25741868, with internal and published modifications).

NM_021096.4(CACNA1I):c.1545T>C (p.Pro515=)

Gene: CACNA1I (calcium voltage-gated channel subunit alpha1 I; plus strand). Cytogenetic location: 22q13.1.
Variant type: single nucleotide variant.
Coding change: c.1545T>C on transcript NM_021096.4 (MANE Select); coding-DNA position 1545, T replaced by C.
Protein change: p.Pro515=; no amino-acid change (proline 515 retained).
Molecular consequence: synonymous variant. On other transcripts: intron variant (1).
Genome position (GRCh38, 1-based): chr22:39,647,904, T>C. VCF-style: chr22-39647904-T-C. GRCh37 (hg19) VCF-style: chr22-40043909-T-C.
Other names: c.1462+1023T>C (NM_001003406.2).
Identifiers: ClinVar variation 3038737 (VCV003038737.2), dbSNP rs200563615, ClinGen allele CA10243864.